The following is an entry in ClinVar:

NC_000011.9:g.(?_532636)_(554276_?)dup

Genes: HRAS (HRas proto-oncogene, GTPase; minus strand), LRRC56 (leucine rich repeat containing 56; plus strand). Cytogenetic location: 11p15.5.
Variant type: Duplication.
Identifiers: ClinVar variation 2425339 (VCV002425339.4).

ClinVar aggregate classification (germline): Uncertain significance. Review status: criteria provided, single submitter (1 of 4 stars). 2 submissions from 1 submitter: Uncertain significance (1). 1 of the submissions does not count toward it. Last evaluated 2022-02-03.

Conditions:
Costello syndrome (CSTLO). Also called: HRAS-Related Costello Syndrome; FACIOCUTANEOSKELETAL SYNDROME; FCS SYNDROME. Identifiers: Orphanet 3071, MedGen C0587248, MONDO:0009026, OMIM 218040.

Submissions (2):

Labcorp Genetics (formerly Invitae), Labcorp
Classification: Uncertain significance. Last evaluated: 2022-02-03. Review status: criteria provided, single submitter. Criteria: Invitae Variant Classification Sherloc (09022015). Collection method: clinical testing. Allele origin: germline.
Comment: A copy number gain of the genomic region encompassing the full coding sequence of the LRRC56 gene has been identified. The boundaries of this event are unknown as they extend beyond the assayed region for this gene and therefore may encompass additional genes. As the precise location of this event is unknown, it may be in tandem or it may be located elsewhere in the genome. This variant has not been reported in the literature in individuals affected with LRRC56-related conditions. Experimental studies and prediction algorithms are not available or were not evaluated, and the functional significance of this variant is currently unknown. In summary, the available evidence is currently insufficient to determine the role of this variant in disease. Therefore, it has been classified as a Variant of Uncertain Significance.

Labcorp Genetics (formerly Invitae), Labcorp
Classification: Uncertain significance for Costello syndrome. Last evaluated: 2022-09-27. Review status: flagged submission. Criteria: Invitae Variant Classification Sherloc (09022015). Collection method: clinical testing. Allele origin: germline. Not counted in ClinVar's aggregate classification.
Comment: This variant results in a copy number gain of the genomic region encompassing exon(s) 1-5 of the HRAS gene. This region includes the initiator codon of the gene. This copy number gain extends beyond the assayed region for this gene and therefore may encompass additional genes. As the precise location of this event is unknown, it may be in tandem or it may be located elsewhere in the genome. This variant has not been reported in the literature in individuals affected with HRAS-related conditions. Experimental studies and prediction algorithms are not available or were not evaluated, and the functional significance of this variant is currently unknown. In summary, the available evidence is currently insufficient to determine the role of this variant in disease. Therefore, it has been classified as a Variant of Uncertain Significance.
ClinVar note: Reason: This record appears to be redundant with a more recent record from the same submitter.
ClinVar note: Notes: SCV003794797 appears to be redundant with SCV003795266.